The following is an entry in ClinVar:

NM_000057.4(BLM):c.2345A>G (p.Asn782Ser)

Gene: BLM (BLM RecQ like helicase; plus strand). Cytogenetic location: 15q26.1.
Variant type: single nucleotide variant.
Coding change: c.2345A>G on transcript NM_000057.4 (MANE Select); coding-DNA position 2345, A replaced by G.
Protein change: p.Asn782Ser; replaces asparagine 782 with serine.
Molecular consequence: missense variant.
Genome position (GRCh38, 1-based): chr15:90,769,170, A>G. VCF-style: chr15-90769170-A-G. GRCh37 (hg19) VCF-style: chr15-91312400-A-G.
Other names: c.2345A>G, p.Asn782Ser (NM_001287246.2, NM_001287247.2); c.1220A>G, p.Asn407Ser (NM_001287248.2); short protein forms N407S, N782S.
Identifiers: ClinVar variation 1005290 (VCV001005290.9), dbSNP rs1896223925, ClinGen allele CA393845102.

ClinVar aggregate classification (germline): Uncertain significance (1 of 4 stars; one submission).

Conditions:
Bloom syndrome (BLM). Also called: Bloom-Torre-Machacek syndrome. Identifiers: Orphanet 125, MedGen C0005859, MONDO:0008876, OMIM 210900.

Submission:

Labcorp Genetics (formerly Invitae), Labcorp
Classification: Uncertain significance for Bloom syndrome. Last evaluated: 2020-06-21. Review status: criteria provided, single submitter. Criteria: Invitae Variant Classification Sherloc (09022015). Collection method: clinical testing. Allele origin: germline.
Comment: This variant is not present in population databases (ExAC no frequency). This variant has not been reported in the literature in individuals with BLM-related conditions. Algorithms developed to predict the effect of missense changes on protein structure and function are either unavailable or do not agree on the potential impact of this missense change (SIFT: "Tolerated"; PolyPhen-2: "Probably Damaging"; Align-GVGD: "Class C0"). In summary, the available evidence is currently insufficient to determine the role of this variant in disease. Therefore, it has been classified as a Variant of Uncertain Significance. This sequence change replaces asparagine with serine at codon 782 of the BLM protein (p.Asn782Ser). The asparagine residue is moderately conserved and there is a small physicochemical difference between asparagine and serine.